The following is an entry in ClinVar:

NM_018993.4(RIN2):c.183del (p.Tyr62fs)

Gene: RIN2 (Ras and Rab interactor 2; plus strand). Cytogenetic location: 20p11.23.
Variant type: Deletion.
Coding change: c.183del on transcript NM_018993.4 (MANE Select); coding-DNA position 183, one base deleted (C; older notation c.183delC).
Protein change: p.Tyr62fs; shifts the reading frame from tyrosine 62.
Molecular consequence: frameshift variant. On other transcripts: 5 prime UTR variant (1).
Genome position (GRCh38, 1-based): chr20:19,956,639, C deleted. VCF-style (leftmost placement, unchanged base first): chr20-19956638-GC-G. GRCh37 (hg19) VCF-style: chr20-19937282-GC-G.
Other names: c.330del, p.Tyr111fs (NM_001242581.2); c.-363del (NM_001378238.1); short protein forms Y111fs, Y62fs.
Identifiers: ClinVar variation 4733666 (VCV004733666.1).

ClinVar aggregate classification (germline): Pathogenic (1 of 4 stars; one submission).

Submission:

Labcorp Genetics (formerly Invitae), Labcorp
Classification: Pathogenic. Last evaluated: 2025-12-20. Review status: criteria provided, single submitter. Criteria: Invitae Variant Classification Sherloc (09022015). Collection method: clinical testing. Allele origin: germline.
Comment: This sequence change creates a premature translational stop signal (p.Tyr62Ilefs*7) in the RIN2 gene. It is expected to result in an absent or disrupted protein product. Loss-of-function variants in RIN2 are known to be pathogenic (PMID: 19631308). This variant is not present in population databases (gnomAD no frequency). This variant has not been reported in the literature in individuals affected with RIN2-related conditions. For these reasons, this variant has been classified as Pathogenic.

Literature cited by the submitters: PubMed 19631308.